The following is an entry in ClinVar:

ClinVar aggregate classification (germline): Uncertain significance. Review status: criteria provided, multiple submitters, no conflicts (2 of 4 stars). 3 submissions from 3 submitters: Uncertain significance (3). Last evaluated 2025-04-21.

Conditions:
IFT74-related disorder. Also called: IFT74-related condition; IFT74-Related Disorders.
Inborn genetic diseases. Identifiers: MedGen C0950123, MeSH D030342.

Allele frequency attached by ClinVar (database versions not stated): TOPMed 0.00001; gnomAD exomes 0.00004.

Submissions (3):

PreventionGenetics, part of Exact Sciences
Classification: Uncertain significance for IFT74-related condition. Last evaluated: 2025-04-21. Review status: criteria provided, single submitter. Criteria: ACMG Guidelines, 2015. Collection method: clinical testing. Allele origin: germline.
Comment: The IFT74 c.1194G>T variant is predicted to result in the amino acid substitution p.Glu398Asp. To our knowledge, this variant has not been reported in the literature or in a large population database (gnomAD), indicating this variant is rare. At this time, the clinical significance of this variant is uncertain due to the absence of conclusive functional and genetic evidence.

Ambry Genetics
Classification: Uncertain significance for Inborn genetic diseases. Last evaluated: 2024-12-04. Review status: criteria provided, single submitter. Criteria: Ambry Variant Classification Scheme 2023. Collection method: clinical testing. Allele origin: germline.

Labcorp Genetics (formerly Invitae), Labcorp
Classification: Uncertain significance. Last evaluated: 2022-10-13. Review status: criteria provided, single submitter. Criteria: Invitae Variant Classification Sherloc (09022015). Collection method: clinical testing. Allele origin: germline.
Comment: This sequence change replaces glutamic acid, which is acidic and polar, with aspartic acid, which is acidic and polar, at codon 398 of the IFT74 protein (p.Glu398Asp). This variant is not present in population databases (gnomAD no frequency). This variant has not been reported in the literature in individuals affected with IFT74-related conditions. Algorithms developed to predict the effect of missense changes on protein structure and function are either unavailable or do not agree on the potential impact of this missense change (SIFT: "Tolerated"; PolyPhen-2: "Probably Damaging"; Align-GVGD: "Class C0"). In summary, the available evidence is currently insufficient to determine the role of this variant in disease. Therefore, it has been classified as a Variant of Uncertain Significance.

NM_025103.4(IFT74):c.1194G>T (p.Glu398Asp)

Gene: IFT74 (intraflagellar transport 74; plus strand). Cytogenetic location: 9p21.2.
Variant type: single nucleotide variant.
Coding change: c.1194G>T on transcript NM_025103.4 (MANE Select); coding-DNA position 1194, G replaced by T.
Protein change: p.Glu398Asp; replaces glutamic acid 398 with aspartic acid.
Molecular consequence: missense variant.
Genome position (GRCh38, 1-based): chr9:27,047,359, G>T. VCF-style: chr9-27047359-G-T. GRCh37 (hg19) VCF-style: chr9-27047357-G-T.
Other names: c.1194G>T (NM_001099222.1, NM_025103.2); c.1194G>T, p.Glu398Asp (NM_001099222.3, NM_001099223.3, NM_001349928.2); short protein forms E398D.
Identifiers: ClinVar variation 1950521 (VCV001950521.6), dbSNP rs771630248, ClinGen allele CA191347875.